The following is an entry in ClinVar:

NM_002878.4(RAD51D):c.182T>G (p.Phe61Cys)

Genes: RAD51L3-RFFL (RAD51L3-RFFL readthrough; minus strand), RAD51D (RAD51 paralog D; minus strand). Cytogenetic location: 17q12.
Variant type: single nucleotide variant.
Coding change: c.182T>G on transcript NM_002878.4 (MANE Select); coding-DNA position 182, T replaced by G.
Protein change: p.Phe61Cys; replaces phenylalanine 61 with cysteine.
Molecular consequence: missense variant. On other transcripts: intron variant (2).
Genome position (GRCh38, 1-based): chr17:35,118,582, A>C on the plus strand (T>G on the coding strand, the complement: RAD51D is on the minus strand). VCF-style: chr17-35118582-A-C. GRCh37 (hg19) VCF-style: chr17-33445601-A-C.
Other names: c.144+529T>G (NM_133629.3, NM_001142571.2); short protein forms F61C.
Identifiers: ClinVar variation 3942378 (VCV003942378.1).

ClinVar aggregate classification (germline): Uncertain significance (1 of 4 stars; one submission).

Conditions:
Hereditary cancer-predisposing syndrome. Also called: Tumor predisposition; Hereditary neoplastic syndrome; Hereditary Cancer Syndrome; Neoplastic Syndromes, Hereditary. Identifiers: Orphanet 140162, MedGen C0027672, MeSH D009386, MONDO:0015356.

Submission:

Ambry Genetics
Classification: Uncertain significance for Hereditary cancer-predisposing syndrome. Last evaluated: 2025-03-15. Review status: criteria provided, single submitter. Criteria: Ambry Variant Classification Scheme 2023. Collection method: clinical testing. Allele origin: germline.
Comment: The p.F61C variant (also known as c.182T>G), located in coding exon 3 of the RAD51D gene, results from a T to G substitution at nucleotide position 182. The phenylalanine at codon 61 is replaced by cysteine, an amino acid with highly dissimilar properties. This amino acid position is conserved. In addition, the in silico prediction for this alteration is inconclusive. Based on the available evidence, the clinical significance of this variant remains unclear.